The following is an entry in ClinVar:

NC_000016.9:g.(?_30760142)_(30768418_?)dup

Gene: PHKG2 (phosphorylase kinase catalytic subunit gamma 2; plus strand). Cytogenetic location: 16p11.2.
Variant type: Duplication.
Identifiers: ClinVar variation 3243491 (VCV003243491.1).

ClinVar aggregate classification (germline): Uncertain significance (1 of 4 stars; one submission).

Conditions:
Glycogen storage disease IXc (GSD9C). Also called: GSD IXc. Identifiers: Orphanet 264580, MedGen C2751643, MONDO:0013091, OMIM 613027.

Submission:

Labcorp Genetics (formerly Invitae), Labcorp
Classification: Uncertain significance for Glycogen storage disease IXc. Last evaluated: 2023-10-24. Review status: criteria provided, single submitter. Criteria: Invitae Variant Classification Sherloc (09022015). Collection method: clinical testing. Allele origin: unknown.
Comment: A copy number gain of the genomic region encompassing the full coding sequence of the PHKG2 gene has been identified. The boundaries of this event are unknown as they extend beyond the assayed region for this gene and therefore may encompass additional genes. As the precise location of this event is unknown, it may be in tandem or it may be located elsewhere in the genome. This variant has not been reported in the literature in individuals affected with PHKG2-related conditions. In summary, the available evidence is currently insufficient to determine the role of this variant in disease. Therefore, it has been classified as a Variant of Uncertain Significance.